The following is an entry in ClinVar:

NM_001177316.2(SLC34A3):c.830G>A (p.Gly277Asp)

Gene: SLC34A3 (solute carrier family 34 member 3; plus strand). Cytogenetic location: 9q34.3.
Variant type: single nucleotide variant.
Coding change: c.830G>A on transcript NM_001177316.2 (MANE Select); coding-DNA position 830, G replaced by A.
Protein change: p.Gly277Asp; replaces glycine 277 with aspartic acid.
Molecular consequence: missense variant.
Genome position (GRCh38, 1-based): chr9:137,233,706, G>A. VCF-style: chr9-137233706-G-A. GRCh37 (hg19) VCF-style: chr9-140128158-G-A.
Other names: c.830G>A, p.Gly277Asp (NM_001177317.2, NM_080877.3); short protein forms G277D.
Identifiers: ClinVar variation 2009561 (VCV002009561.4), dbSNP rs2538808334, ClinGen allele CA375733094.

ClinVar aggregate classification (germline): Uncertain significance (1 of 4 stars; one submission).

Submission:

Labcorp Genetics (formerly Invitae), Labcorp
Classification: Uncertain significance. Last evaluated: 2022-06-23. Review status: criteria provided, single submitter. Criteria: Invitae Variant Classification Sherloc (09022015). Collection method: clinical testing. Allele origin: germline.
Comment: In summary, the available evidence is currently insufficient to determine the role of this variant in disease. Therefore, it has been classified as a Variant of Uncertain Significance. This sequence change replaces glycine, which is neutral and non-polar, with aspartic acid, which is acidic and polar, at codon 277 of the SLC34A3 protein (p.Gly277Asp). This variant is not present in population databases (gnomAD no frequency). This variant has not been reported in the literature in individuals affected with SLC34A3-related conditions. Algorithms developed to predict the effect of missense changes on protein structure and function (SIFT, PolyPhen-2, Align-GVGD) all suggest that this variant is likely to be tolerated.